The following is an entry in ClinVar:

ClinVar aggregate classification (germline): Conflicting classifications of pathogenicity. Review status: criteria provided, conflicting classifications (1 of 4 stars). 13 submissions from 13 submitters: Uncertain significance (1); Benign (1); Likely benign (6). 5 of the submissions do not count toward it. Last evaluated 2026-01-27.

Conditions:
TTN-related disorder. Also called: TTN-related disorders; TTN-related condition; TTN-related disease.
Cardiovascular phenotype. Identifiers: MedGen CN230736.
Dilated cardiomyopathy 1G (CMD1G). Identifiers: Orphanet 154, MedGen C1858763, MONDO:0011400, OMIM 604145.
Autosomal recessive limb-girdle muscular dystrophy type 2J (LGMDR10). Also called: MUSCULAR DYSTROPHY, LIMB-GIRDLE, AUTOSOMAL RECESSIVE 10; Limb-girdle muscular dystrophy, type 2J. Identifiers: Orphanet 140922, MedGen C1837342, MONDO:0012127, OMIM 608807.
Cardiomyopathy (CMYO). Also called: Cardiomyopathies. Identifiers: Orphanet 167848, MedGen C0878544, MONDO:0004994, HP:0001638. Inheritance: Various modes of inheritance.

Allele frequency attached by ClinVar (database versions not stated): ExAC 0.00003; gnomAD exomes 0.00005 and 0.00006; gnomAD 0.00009 and 0.00010; ESP Exome Variant Server 0.00008; TOPMed 0.00006.
gnomAD v4.1: 96 of 1,612,368 alleles (0.006%); highest among the groups gnomAD compares: Admixed American, 0.013%; 1 homozygote.

Submissions (13):

Labcorp Genetics (formerly Invitae), Labcorp
Classification: Likely benign for Dilated cardiomyopathy 1G; Autosomal recessive limb-girdle muscular dystrophy type 2J. Last evaluated: 2026-01-27. Review status: criteria provided, single submitter. Criteria: Invitae Variant Classification Sherloc (09022015). Collection method: clinical testing. Allele origin: germline.

Women's Health and Genetics/Laboratory Corporation of America, LabCorp
Classification: Likely benign. Last evaluated: 2025-02-13. Review status: criteria provided, single submitter. Criteria: LabCorp Variant Classification Summary - May 2015. Collection method: clinical testing. Allele origin: germline.

ARUP Laboratories, Molecular Genetics and Genomics, ARUP Laboratories
Classification: Likely benign. Last evaluated: 2024-10-29. Review status: criteria provided, single submitter. Criteria: ARUP Molecular Germline Variant Investigation Process 2024. Collection method: clinical testing. Allele origin: germline.

Blueprint Genetics
Classification: Likely benign. Last evaluated: 2024-09-05. Review status: criteria provided, single submitter. Criteria: ACMG Guidelines, 2015. Collection method: clinical testing. Allele origin: germline.

CHEO Genetics Diagnostic Laboratory, Children's Hospital of Eastern Ontario
Classification: Likely benign for Cardiomyopathy. Last evaluated: 2023-03-17. Review status: criteria provided, single submitter. Criteria: ACMG Guidelines, 2015. Collection method: clinical testing. Allele origin: germline.

Ambry Genetics
Classification: Likely benign for Cardiovascular phenotype. Last evaluated: 2021-03-25. Review status: criteria provided, single submitter. Criteria: Ambry Variant Classification Scheme 2023. Collection method: clinical testing. Allele origin: germline.

Eurofins Ntd Llc (ga)
Classification: Uncertain significance. Last evaluated: 2015-11-16. Review status: criteria provided, single submitter. Criteria: EGL Classification Definitions 2015. Collection method: clinical testing. Allele origin: germline. Observed: 2 variant alleles, 2 heterozygotes.

GeneDx
Classification: Benign. Last evaluated: 2014-06-19. Review status: criteria provided, single submitter. Criteria: GeneDx Variant Classification (06012015). Collection method: clinical testing. Allele origin: germline. Affected: yes.
Comment: This variant is considered likely benign or benign based on one or more of the following criteria: it is a conservative change, it occurs at a poorly conserved position in the protein, it is predicted to be benign by multiple in silico algorithms, and/or has population frequency not consistent with disease.

PreventionGenetics, part of Exact Sciences
Classification: Likely benign for TTN-related condition. Last evaluated: 2023-08-08. Review status: no assertion criteria provided. Collection method: clinical testing. Allele origin: germline. Not counted in ClinVar's aggregate classification.
Comment: This variant is classified as likely benign based on ACMG/AMP sequence variant interpretation guidelines (Richards et al. 2015 PMID: 25741868, with internal and published modifications).

Clinical Genetics DNA and cytogenetics Diagnostics Lab, Erasmus MC, Erasmus Medical Center
Classification: Likely benign. Review status: no assertion criteria provided. Collection method: clinical testing. Allele origin: germline. Affected: yes. Study: VKGL Data-share Consensus. Not counted in ClinVar's aggregate classification.

Clinical Genetics, Academic Medical Center
Classification: Benign. Review status: no assertion criteria provided. Collection method: clinical testing. Allele origin: germline. Affected: yes. Study: VKGL Data-share Consensus. Not counted in ClinVar's aggregate classification.

Genome Diagnostics Laboratory, University Medical Center Utrecht
Classification: Likely benign. Review status: no assertion criteria provided. Collection method: clinical testing. Allele origin: germline. Affected: yes. Study: VKGL Data-share Consensus. Not counted in ClinVar's aggregate classification.

Joint Genome Diagnostic Labs from Nijmegen and Maastricht, Radboudumc and MUMC+
Classification: Likely benign. Review status: no assertion criteria provided. Collection method: clinical testing. Allele origin: germline. Affected: yes. Study: VKGL Data-share Consensus. Not counted in ClinVar's aggregate classification.

NM_001267550.2(TTN):c.49278T>C (p.Ala16426=)

Genes: TTN (titin; minus strand), TTN-AS1 (TTN antisense RNA 1; plus strand). Cytogenetic location: 2q31.2.
Variant type: single nucleotide variant.
Coding change: c.49278T>C on transcript NM_001267550.2 (MANE Select); coding-DNA position 49278, T replaced by C.
Protein change: p.Ala16426=; no amino-acid change (alanine 16426 retained).
Molecular consequence: synonymous variant. On other transcripts: non-coding transcript variant (1).
Genome position (GRCh38, 1-based): chr2:178,614,119, A>G on the plus strand (T>C on the coding strand, the complement: TTN is on the minus strand). VCF-style: chr2-178614119-A-G. GRCh37 (hg19) VCF-style: chr2-179478846-A-G.
Other names: p.A14785A:GCT>GCC; c.44355T>C, p.Ala14785= (NM_001256850.1); c.22083T>C, p.Ala7361= (NM_003319.4); c.41574T>C, p.Ala13858= (NM_133378.4); c.22458T>C, p.Ala7486= (NM_133432.3); c.22659T>C, p.Ala7553= (NM_133437.4).
Identifiers: ClinVar variation 202270 (VCV000202270.30), dbSNP rs372633280, ClinGen allele CA308942.
Genomic context (GRCh38, chr2:178,614,119, plus strand): 5'-ATATTTGGCTGTTATTGGAGAGGCCTGAACTGGTTCACCAACACCATACATGTTTTCTGC[A>G]GCAACTCTGAAGATGTACTCTTTATTGGGGATTAATTTGGTGGCCTTGAAGTTTGTATCC-3'
Protein context (NP_001254479.2, residues 16416-16436): IPNKEYIFRV[Ala16426=]AENMYGVGEP